The following is an entry in ClinVar:

NM_013275.6(ANKRD11):c.4534C>T (p.Arg1512Cys)

Gene: ANKRD11 (ankyrin repeat domain 11; minus strand). Cytogenetic location: 16q24.3.
Variant type: single nucleotide variant.
Coding change: c.4534C>T on transcript NM_013275.6 (MANE Select); coding-DNA position 4534, C replaced by T.
Protein change: p.Arg1512Cys; replaces arginine 1512 with cysteine.
Molecular consequence: missense variant.
Genome position (GRCh38, 1-based): chr16:89,282,008, G>A on the plus strand (C>T on the coding strand, the complement: ANKRD11 is on the minus strand). VCF-style: chr16-89282008-G-A. GRCh37 (hg19) VCF-style: chr16-89348416-G-A.
Other names: c.4534C>T, p.Arg1512Cys (NM_001256182.2, NM_001256183.2); short protein forms R1512C.
Identifiers: ClinVar variation 1327687 (VCV001327687.6), dbSNP rs372367879, ClinGen allele CA8242085.

ClinVar aggregate classification (germline): Conflicting classifications of pathogenicity. Review status: criteria provided, conflicting classifications (1 of 4 stars). 3 submissions from 3 submitters: Uncertain significance (2); Likely benign (1). Last evaluated 2024-12-02.

Conditions:
KBG syndrome (KBGS). Also called: ANKRD11-Related KBG Syndrome. Identifiers: Orphanet 2332, MedGen C0220687, MONDO:0007846, OMIM 148050.

Allele frequency attached by ClinVar (database versions not stated): gnomAD exomes 0.00002; ExAC 0.00003; gnomAD 0.00003 and 0.00004; TOPMed 0.00005; ESP Exome Variant Server 0.00023.
gnomAD v4.1: 33 of 1,613,110 alleles (0.002%); highest among the groups gnomAD compares: African/African-American, 0.008%; no homozygotes.

Submissions (3):

Labcorp Genetics (formerly Invitae), Labcorp
Classification: Uncertain significance for KBG syndrome. Last evaluated: 2024-12-02. Review status: criteria provided, single submitter. Criteria: Invitae Variant Classification Sherloc (09022015). Collection method: clinical testing. Allele origin: germline.
Comment: This sequence change replaces arginine, which is basic and polar, with cysteine, which is neutral and slightly polar, at codon 1512 of the ANKRD11 protein (p.Arg1512Cys). This variant is present in population databases (rs372367879, gnomAD 0.007%). This variant has not been reported in the literature in individuals affected with ANKRD11-related conditions. ClinVar contains an entry for this variant (Variation ID: 1327687). Invitae Evidence Modeling of protein sequence and biophysical properties (such as structural, functional, and spatial information, amino acid conservation, physicochemical variation, residue mobility, and thermodynamic stability) indicates that this missense variant is not expected to disrupt ANKRD11 protein function with a negative predictive value of 95%. In summary, the available evidence is currently insufficient to determine the role of this variant in disease. Therefore, it has been classified as a Variant of Uncertain Significance.

GeneDx
Classification: Likely benign. Last evaluated: 2021-06-08. Review status: criteria provided, single submitter. Criteria: GeneDx Variant Classification Process June 2021. Collection method: clinical testing. Allele origin: germline. Affected: yes.

Revvity Omics, Revvity
Classification: Uncertain significance for KBG syndrome. Last evaluated: 2019-05-07. Review status: criteria provided, single submitter. Criteria: ACMG Guidelines, 2015. Collection method: clinical testing. Allele origin: germline.